The following is an entry in ClinVar:

ClinVar aggregate classification (germline): Uncertain significance (1 of 4 stars; one submission).

gnomAD v4.1: 1 of 1,613,982 alleles (0.000062%); highest among the groups gnomAD compares: Non-Finnish European, 0.000085%; no homozygotes.

Submission:

Labcorp Genetics (formerly Invitae), Labcorp
Classification: Uncertain significance. Last evaluated: 2022-04-17. Review status: criteria provided, single submitter. Criteria: Invitae Variant Classification Sherloc (09022015). Collection method: clinical testing. Allele origin: germline.
Comment: In summary, the available evidence is currently insufficient to determine the role of this variant in disease. Therefore, it has been classified as a Variant of Uncertain Significance. Algorithms developed to predict the effect of missense changes on protein structure and function (SIFT, PolyPhen-2, Align-GVGD) all suggest that this variant is likely to be tolerated. This variant has not been reported in the literature in individuals affected with SMARCD2-related conditions. This variant is not present in population databases (gnomAD no frequency). This sequence change replaces asparagine, which is neutral and polar, with lysine, which is basic and polar, at codon 398 of the SMARCD2 protein (p.Asn398Lys).

NM_001098426.2(SMARCD2):c.1194C>A (p.Asn398Lys)

Gene: SMARCD2 (SWI/SNF related BAF chromatin remodeling complex subunit D2; minus strand). Cytogenetic location: 17q23.3.
Variant type: single nucleotide variant.
Coding change: c.1194C>A on transcript NM_001098426.2 (MANE Select); coding-DNA position 1194, C replaced by A.
Protein change: p.Asn398Lys; replaces asparagine 398 with lysine.
Molecular consequence: missense variant.
Genome position (GRCh38, 1-based): chr17:63,833,710, G>T on the plus strand (C>A on the coding strand, the complement: SMARCD2 is on the minus strand). VCF-style: chr17-63833710-G-T. GRCh37 (hg19) VCF-style: chr17-61911070-G-T.
Other names: c.969C>A, p.Asn323Lys (NM_001330439.1); c.1050C>A, p.Asn350Lys (NM_001330440.2); short protein forms N323K, N350K, N398K.
Identifiers: ClinVar variation 2127261 (VCV002127261.4), dbSNP rs201339780, ClinGen allele CA400599092.